The following is an entry in ClinVar:

ClinVar aggregate classification (germline): Uncertain significance (1 of 4 stars; one submission).

Conditions:
Cryopyrin associated periodic syndrome (CAPS). Identifiers: Orphanet 208650, MedGen C2316212, MONDO:0016168.

gnomAD v4.1: 1 of 1,614,144 alleles (0.000062%); highest among the groups gnomAD compares: Non-Finnish European, 0.000085%; no homozygotes.

Submission:

Labcorp Genetics (formerly Invitae), Labcorp
Classification: Uncertain significance for Cryopyrin associated periodic syndrome. Last evaluated: 2024-09-17. Review status: criteria provided, single submitter. Criteria: Invitae Variant Classification Sherloc (09022015). Collection method: clinical testing. Allele origin: germline.
Comment: This sequence change replaces aspartic acid, which is acidic and polar, with glycine, which is neutral and non-polar, at codon 111 of the NLRP3 protein (p.Asp111Gly). This variant is not present in population databases (gnomAD no frequency). This variant has not been reported in the literature in individuals affected with NLRP3-related conditions. Invitae Evidence Modeling of protein sequence and biophysical properties (such as structural, functional, and spatial information, amino acid conservation, physicochemical variation, residue mobility, and thermodynamic stability) has been performed for this missense variant. However, the output from this modeling did not meet the statistical confidence thresholds required to predict the impact of this variant on NLRP3 protein function. In summary, the available evidence is currently insufficient to determine the role of this variant in disease. Therefore, it has been classified as a Variant of Uncertain Significance.

NM_001243133.2(NLRP3):c.326A>G (p.Asp109Gly)

Gene: NLRP3 (NLR family pyrin domain containing 3; plus strand). Cytogenetic location: 1q44.
Variant type: single nucleotide variant.
Coding change: c.326A>G on transcript NM_001243133.2 (MANE Select); coding-DNA position 326, A replaced by G.
Protein change: p.Asp109Gly; replaces aspartic acid 109 with glycine.
Molecular consequence: missense variant.
Genome position (GRCh38, 1-based): chr1:247,423,278, A>G. VCF-style: chr1-247423278-A-G. GRCh37 (hg19) VCF-style: chr1-247586580-A-G.
Other names: c.332A>G, p.Asp111Gly (NM_004895.5); c.326A>G, p.Asp109Gly (NM_183395.3, NM_001079821.3, NM_001127461.3 and 1 more transcripts); short protein forms D109G, D111G.
Identifiers: ClinVar variation 3630149 (VCV003630149.2).
Genomic context (GRCh38, chr1:247,423,278, plus strand): 5'-TTTCCCTTTTAGGTTCAGATAATGCACGTGTTTCGAATCCCACTGTGATATGCCAGGAAG[A>G]CAGCATTGAAGAGGAGTGGATGGGTTTACTGGAGTACCTTTCGAGAATCTCTATTTGTAA-3'
Protein context (NP_001230062.1, residues 99-119): VSNPTVICQE[Asp109Gly]SIEEEWMGLL